The following is an entry in ClinVar:

ClinVar aggregate classification (germline): Uncertain significance (1 of 4 stars; one submission).

Conditions:
Severe combined immunodeficiency due to DCLRE1C deficiency (RS-SCID). Also called: SCID, AUTOSOMAL RECESSIVE, T CELL-NEGATIVE, B CELL-NEGATIVE, NK CELL-POSITIVE, WITH SENSITIVITY TO IONIZING RADIATION. Identifiers: Orphanet 275, MedGen C1865371, MONDO:0011225, OMIM 602450.

Allele frequency attached by ClinVar (database versions not stated): TOPMed below 0.00001; ExAC 0.00002; gnomAD exomes 0.00001.
gnomAD v4.1: 9 of 1,614,152 alleles (0.00056%); highest among the groups gnomAD compares: South Asian, 0.0088%; no homozygotes.

Submission:

Labcorp Genetics (formerly Invitae), Labcorp
Classification: Uncertain significance for Athabaskan severe combined immunodeficiency. Last evaluated: 2023-08-04. Review status: criteria provided, single submitter. Criteria: Invitae Variant Classification Sherloc (09022015). Collection method: clinical testing. Allele origin: germline.
Comment: This variant is present in population databases (rs753955796, gnomAD 0.01%). This sequence change replaces lysine, which is basic and polar, with asparagine, which is neutral and polar, at codon 520 of the DCLRE1C protein (p.Lys520Asn). This variant has not been reported in the literature in individuals affected with DCLRE1C-related conditions. In summary, the available evidence is currently insufficient to determine the role of this variant in disease. Therefore, it has been classified as a Variant of Uncertain Significance. An algorithm developed to predict the effect of missense changes on protein structure and function (PolyPhen-2) suggests that this variant is likely to be tolerated. ClinVar contains an entry for this variant (Variation ID: 1957527).

NM_001033855.3(DCLRE1C):c.1560G>C (p.Lys520Asn)

Gene: DCLRE1C (DNA cross-link repair 1C; minus strand). Cytogenetic location: 10p13.
Variant type: single nucleotide variant.
Coding change: c.1560G>C on transcript NM_001033855.3 (MANE Select); coding-DNA position 1560, G replaced by C.
Protein change: p.Lys520Asn; replaces lysine 520 with asparagine.
Molecular consequence: missense variant. On other transcripts: non-coding transcript variant (4).
Genome position (GRCh38, 1-based): chr10:14,908,927, C>G on the plus strand (G>C on the coding strand, the complement: DCLRE1C is on the minus strand). VCF-style: chr10-14908927-C-G. GRCh37 (hg19) VCF-style: chr10-14950926-C-G.
Other names: c.1200G>C, p.Lys400Asn (NM_001033857.3, NM_001033858.3, NM_001289077.2 and 2 more transcripts); c.1215G>C, p.Lys405Asn (NM_001289076.2, NM_001289078.2, NM_001350966.2 and 1 more transcripts); c.1560G>C, p.Lys520Asn (NM_001350965.2); short protein forms K400N, K405N, K520N.
Identifiers: ClinVar variation 1957527 (VCV001957527.5), dbSNP rs753955796, ClinGen allele CA5416456.
Genomic context (GRCh38, chr10:14,908,927, plus strand): 5'-TGACTGGGAAGAATTCTGGGAGGAGATGTGAGTTGATTCTCCATCAGAGTCACTGAAAAG[C>G]TTTGGTGACTGAGATCCCCCTGCCACTGTGGAGGAAGGGAAGTTTTCCAAACTCTCATCT-3'
Protein context (NP_001029027.1, residues 510-530): STVAGGSQSP[Lys520Asn]LFSDSDGEST